The following is an entry in ClinVar:

NM_001605.3(AARS1):c.215C>A (p.Thr72Asn)

Gene: AARS1 (alanyl-tRNA synthetase 1; minus strand). Cytogenetic location: 16q22.1.
Variant type: single nucleotide variant.
Coding change: c.215C>A on transcript NM_001605.3 (MANE Select); coding-DNA position 215, C replaced by A.
Protein change: p.Thr72Asn; replaces threonine 72 with asparagine.
Molecular consequence: missense variant.
Genome position (GRCh38, 1-based): chr16:70,277,084, G>T on the plus strand (C>A on the coding strand, the complement: AARS1 is on the minus strand). VCF-style: chr16-70277084-G-T. GRCh37 (hg19) VCF-style: chr16-70310987-G-T.
Other names: short protein forms T72N.
Identifiers: ClinVar variation 2427997 (VCV002427997.6), dbSNP rs2152167036, ClinGen allele CA396569707.
Genomic context (GRCh38, chr16:70,277,084, plus strand): 5'-ACATCCTTGCCCACATCGTCCAGGTCATTATGTTTGCCCCCAGCCCGGATGCACTTCTGG[G>T]TATTGGCAGCTCTGCTCAGCTTTGCCATGGGGTGAGATGGGTCAATTGTGTTCAGGAAAA-3'
Protein context (NP_001596.2, residues 62-82): PMAKLSRAAN[Thr72Asn]QKCIRAGGKH

ClinVar aggregate classification (germline): Uncertain significance (1 of 4 stars; one submission).

Conditions:
Charcot-Marie-Tooth disease type 2. Also called: Charcot-Marie-Tooth type 2. Identifiers: Orphanet 64746, MedGen C0270914, MONDO:0018993.

gnomAD v4.1: 1 of 1,614,162 alleles (0.000062%); highest among the groups gnomAD compares: Admixed American, 0.0017%; no homozygotes.

Submission:

Labcorp Genetics (formerly Invitae), Labcorp
Classification: Uncertain significance for Charcot-Marie-Tooth disease type 2. Last evaluated: 2023-12-10. Review status: criteria provided, single submitter. Criteria: Invitae Variant Classification Sherloc (09022015). Collection method: clinical testing. Allele origin: germline.
Comment: This sequence change replaces threonine, which is neutral and polar, with asparagine, which is neutral and polar, at codon 72 of the AARS protein (p.Thr72Asn). This variant is not present in population databases (gnomAD no frequency). This variant has not been reported in the literature in individuals affected with AARS-related conditions. ClinVar contains an entry for this variant (Variation ID: 2427997). Advanced modeling of protein sequence and biophysical properties (such as structural, functional, and spatial information, amino acid conservation, physicochemical variation, residue mobility, and thermodynamic stability) performed at Invitae indicates that this missense variant is not expected to disrupt AARS protein function with a negative predictive value of 80%. In summary, the available evidence is currently insufficient to determine the role of this variant in disease. Therefore, it has been classified as a Variant of Uncertain Significance.